The following is an entry in ClinVar:

ClinVar aggregate classification (germline): Uncertain significance. Review status: criteria provided, multiple submitters, no conflicts (2 of 4 stars). 2 submissions from 2 submitters: Uncertain significance (2). Last evaluated 2025-06-18.

Conditions:
Inborn genetic diseases. Identifiers: MedGen C0950123, MeSH D030342.

Allele frequency attached by ClinVar (database versions not stated): gnomAD exomes 0.00001; ExAC 0.00003.
gnomAD v4.1: 3 of 1,576,874 alleles (0.00019%); highest among the groups gnomAD compares: Middle Eastern, 0.033%; no homozygotes.

Submissions (2):

Ambry Genetics
Classification: Uncertain significance for Inborn genetic diseases. Last evaluated: 2025-06-18. Review status: criteria provided, single submitter. Criteria: Ambry Variant Classification Scheme 2023. Collection method: clinical testing. Allele origin: germline.

Labcorp Genetics (formerly Invitae), Labcorp
Classification: Uncertain significance. Last evaluated: 2022-03-04. Review status: criteria provided, single submitter. Criteria: Invitae Variant Classification Sherloc (09022015). Collection method: clinical testing. Allele origin: germline.
Comment: In summary, the available evidence is currently insufficient to determine the role of this variant in disease. Therefore, it has been classified as a Variant of Uncertain Significance. Algorithms developed to predict the effect of missense changes on protein structure and function are either unavailable or do not agree on the potential impact of this missense change (SIFT: "Deleterious"; PolyPhen-2: "Possibly Damaging"; Align-GVGD: "Class C0"). This variant has not been reported in the literature in individuals affected with BLOC1S3-related conditions. This variant is present in population databases (rs759978081, gnomAD 0.001%). This sequence change replaces serine, which is neutral and polar, with leucine, which is neutral and non-polar, at codon 33 of the BLOC1S3 protein (p.Ser33Leu).

NM_212550.5(BLOC1S3):c.98C>T (p.Ser33Leu)

Gene: BLOC1S3 (biogenesis of lysosomal organelles complex 1 subunit 3; plus strand). Cytogenetic location: 19q13.32.
Variant type: single nucleotide variant.
Coding change: c.98C>T on transcript NM_212550.5 (MANE Select); coding-DNA position 98, C replaced by T.
Protein change: p.Ser33Leu; replaces serine 33 with leucine.
Molecular consequence: missense variant.
Genome position (GRCh38, 1-based): chr19:45,179,394, C>T. VCF-style: chr19-45179394-C-T. GRCh37 (hg19) VCF-style: chr19-45682652-C-T.
Other names: c.98C>T (NM_212550.3); short protein forms S33L.
Identifiers: ClinVar variation 1946840 (VCV001946840.4), dbSNP rs759978081, ClinGen allele CA9510216.